The following is an entry in ClinVar:

ClinVar aggregate classification (germline): Benign/Likely benign. Review status: criteria provided, multiple submitters, no conflicts (2 of 4 stars). 4 submissions from 4 submitters: Benign (1); Likely benign (3). Last evaluated 2025-06-03.

Conditions:
Tuberous sclerosis 2 (TSC2). Identifiers: Orphanet 805, MedGen C1860707, MONDO:0013199, OMIM 613254.
Hereditary cancer-predisposing syndrome. Also called: Neoplastic Syndromes, Hereditary; Tumor predisposition; Hereditary neoplastic syndrome; Hereditary Cancer Syndrome. Identifiers: Orphanet 140162, MedGen C0027672, MeSH D009386, MONDO:0015356.
Tuberous sclerosis syndrome (TSC). Also called: Tuberous Sclerosis Complex; Tuberous sclerosis. Identifiers: Orphanet 805, MedGen C0041341, MONDO:0001734.

Submissions (4):

Myriad Genetics, Inc.
Classification: Benign for Tuberous sclerosis 2. Last evaluated: 2025-06-03. Review status: criteria provided, single submitter. Criteria: Myriad Autosomal Dominant, Autosomal Recessive and X-Linked Classification Criteria (2023). Collection method: clinical testing. Allele origin: unknown.
Comment: This variant is considered benign. This variant is a silent/synonymous amino acid change and it is not expected to impact splicing.

Labcorp Genetics (formerly Invitae), Labcorp
Classification: Likely benign for Tuberous sclerosis 2. Last evaluated: 2024-04-27. Review status: criteria provided, single submitter. Criteria: Invitae Variant Classification Sherloc (09022015). Collection method: clinical testing. Allele origin: germline.

Ambry Genetics
Classification: Likely benign for Hereditary cancer-predisposing syndrome. Last evaluated: 2023-12-21. Review status: criteria provided, single submitter. Criteria: Ambry Variant Classification Scheme 2023. Collection method: clinical testing. Allele origin: germline.

All of Us Research Program, National Institutes of Health
Classification: Likely benign for Tuberous sclerosis syndrome. Last evaluated: 2023-10-02. Review status: criteria provided, single submitter. Criteria: ACMG Guidelines, 2015. Collection method: clinical testing. Allele origin: germline. Inheritance: Autosomal dominant inheritance. Observed: 1 variant allele, 1 heterozygote.
Comment: This study involves interpretation of variants in research participants for the purpose of population health screening. Participant phenotype was not available at the time of variant classification. Additional details can be found in publication PMID: 35346344, PMCID: PMC8962531

NM_000548.5(TSC2):c.4248C>A (p.Ala1416=)

Gene: TSC2 (TSC complex subunit 2; plus strand). Cytogenetic location: 16p13.3.
Variant type: single nucleotide variant.
Coding change: c.4248C>A on transcript NM_000548.5 (MANE Select); coding-DNA position 4248, C replaced by A.
Protein change: p.Ala1416=; no amino-acid change (alanine 1416 retained).
Molecular consequence: synonymous variant.
Genome position (GRCh38, 1-based): chr16:2,084,470, C>A. VCF-style: chr16-2084470-C-A. GRCh37 (hg19) VCF-style: chr16-2134471-C-A.
Other names: c.4047C>A, p.Ala1349= (NM_001077183.3); c.4179C>A, p.Ala1393= (NM_001114382.3); c.3939C>A, p.Ala1313= (NM_001318827.2); c.3903C>A, p.Ala1301= (NM_001318829.2); c.3516C>A, p.Ala1172= (NM_001318831.2); c.4080C>A, p.Ala1360= (NM_001318832.2); c.4050C>A, p.Ala1350= (NM_001363528.2); c.4116C>A, p.Ala1372= (NM_001370404.1); and 2 more.
Identifiers: ClinVar variation 1545907 (VCV001545907.11), dbSNP rs1393358018, ClinGen allele CA493043301.